The following is an entry in ClinVar:

NM_001330360.2(POLA1):c.2752C>T (p.Pro918Ser)

Gene: POLA1 (DNA polymerase alpha 1, catalytic subunit; plus strand). Cytogenetic location: Xp22.11.
Variant type: single nucleotide variant.
Coding change: c.2752C>T on transcript NM_001330360.2 (MANE Select); coding-DNA position 2752, C replaced by T.
Protein change: p.Pro918Ser; replaces proline 918 with serine.
Molecular consequence: missense variant. On other transcripts: non-coding transcript variant (2).
Genome position (GRCh38, 1-based): chrX:24,748,371, C>T. VCF-style: chrX-24748371-C-T. GRCh37 (hg19) VCF-style: chrX-24766488-C-T.
Other names: c.2677C>T, p.Pro893Ser (NM_001378303.1); c.2734C>T, p.Pro912Ser (NM_016937.4); short protein forms P893S, P912S, P918S.
Identifiers: ClinVar variation 2078774 (VCV002078774.4), dbSNP rs2518857072, ClinGen allele CA412539089.

ClinVar aggregate classification (germline): Uncertain significance (1 of 4 stars; one submission).

Submission:

Labcorp Genetics (formerly Invitae), Labcorp
Classification: Uncertain significance. Last evaluated: 2022-01-11. Review status: criteria provided, single submitter. Criteria: Invitae Variant Classification Sherloc (09022015). Collection method: clinical testing. Allele origin: germline.
Comment: This sequence change replaces proline, which is neutral and non-polar, with serine, which is neutral and polar, at codon 912 of the POLA1 protein (p.Pro912Ser). This variant is not present in population databases (gnomAD no frequency). This variant has not been reported in the literature in individuals affected with POLA1-related conditions. Algorithms developed to predict the effect of missense changes on protein structure and function (SIFT, PolyPhen-2, Align-GVGD) all suggest that this variant is likely to be disruptive. In summary, the available evidence is currently insufficient to determine the role of this variant in disease. Therefore, it has been classified as a Variant of Uncertain Significance.